The following is an entry in ClinVar:

NM_000135.4(FANCA):c.747A>C (p.Lys249Asn)

Gene: FANCA (FA complementation group A; minus strand). Cytogenetic location: 16q24.3.
Variant type: single nucleotide variant.
Coding change: c.747A>C on transcript NM_000135.4 (MANE Select); coding-DNA position 747, A replaced by C.
Protein change: p.Lys249Asn; replaces lysine 249 with asparagine.
Molecular consequence: missense variant.
Genome position (GRCh38, 1-based): chr16:89,803,304, T>G on the plus strand (A>C on the coding strand, the complement: FANCA is on the minus strand). VCF-style: chr16-89803304-T-G. GRCh37 (hg19) VCF-style: chr16-89869712-T-G.
Other names: c.747A>C, p.Lys249Asn (NM_001018112.3, NM_001286167.3); c.651A>C, p.Lys217Asn (NM_001351830.2); short protein forms K217N, K249N.
Identifiers: ClinVar variation 4798285 (VCV004798285.1).
Genomic context (GRCh38, chr16:89,803,304, plus strand): 5'-GACTTTTCCTCCTACCTGCGGCATTTTTTCAGGCTCCACAGTTCTTCTCAGATCTGAGTT[T>G]TTCTGAAATCCCCTCAAAACAAACATTTGAACAAAATCTGAAAAACCATAAAACCAAAGT-3'
Protein context (NP_000126.2, residues 239-259): VQMFVLRGFQ[Lys249Asn]NSDLRRTVEP

ClinVar aggregate classification (germline): Uncertain significance (1 of 4 stars; one submission).

Conditions:
Fanconi anemia (FA). Also called: Fanconi's anemia. Identifiers: Orphanet 84, MedGen C0015625, MeSH D005199, MONDO:0019391.

Submission:

Labcorp Genetics (formerly Invitae), Labcorp
Classification: Uncertain significance for Fanconi anemia. Last evaluated: 2026-01-20. Review status: criteria provided, single submitter. Criteria: Invitae Variant Classification Sherloc (09022015). Collection method: clinical testing. Allele origin: germline.
Comment: This sequence change replaces lysine, which is basic and polar, with asparagine, which is neutral and polar, at codon 249 of the FANCA protein (p.Lys249Asn). This variant is not present in population databases (gnomAD no frequency). This variant has not been reported in the literature in individuals affected with FANCA-related conditions. Invitae Evidence Modeling of protein sequence and biophysical properties (such as structural, functional, and spatial information, amino acid conservation, physicochemical variation, residue mobility, and thermodynamic stability) indicates that this missense variant is not expected to disrupt FANCA protein function with a negative predictive value of 95%. In summary, the available evidence is currently insufficient to determine the role of this variant in disease. Therefore, it has been classified as a Variant of Uncertain Significance.